The following is an entry in ClinVar:

ClinVar aggregate classification (germline): Pathogenic. Review status: criteria provided, multiple submitters, no conflicts (2 of 4 stars). 2 submissions from 2 submitters: Pathogenic (2). Last evaluated 2023-01-14.

Submissions (2):

Labcorp Genetics (formerly Invitae), Labcorp
Classification: Pathogenic. Last evaluated: 2023-01-14. Review status: criteria provided, single submitter. Criteria: Invitae Variant Classification Sherloc (09022015). Collection method: clinical testing. Allele origin: germline.
Comment: For these reasons, this variant has been classified as Pathogenic. Advanced modeling of protein sequence and biophysical properties (such as structural, functional, and spatial information, amino acid conservation, physicochemical variation, residue mobility, and thermodynamic stability) performed at Invitae indicates that this missense variant is expected to disrupt NOTCH3 protein function. ClinVar contains an entry for this variant (Variation ID: 447820). This missense change has been observed in individuals with clinical features of CADASIL (PMID: 19006080, 30311053; Invitae). This variant is not present in population databases (gnomAD no frequency). This sequence change replaces cysteine, which is neutral and slightly polar, with glycine, which is neutral and non-polar, at codon 997 of the NOTCH3 protein (p.Cys997Gly).

Athena Diagnostics
Classification: Pathogenic. Last evaluated: 2020-12-01. Review status: criteria provided, single submitter. Criteria: Athena Diagnostics Criteria. Collection method: clinical testing. Allele origin: unknown.
Comment: This variant has been identified in at least one individual with clinical features associated with this gene. This variant has not been reported in large, multi-ethnic general populations. This variant alters a critical location within the protein, and is expected to severely affect function and cause disease. Greater than 90% of pathogenic variants identified in NOTCH3 involve the gain or loss of a cysteine residue within the epidermal growth factor (EGF)-like repeat domain.

Literature cited by the submitters: PubMed 19006080 (cited by Labcorp Genetics (formerly Invitae), Labcorp and Athena Diagnostics); PubMed 30311053 (cited by Labcorp Genetics (formerly Invitae), Labcorp and Athena Diagnostics).

NM_000435.3(NOTCH3):c.2989T>G (p.Cys997Gly)

Gene: NOTCH3 (notch receptor 3; minus strand). Cytogenetic location: 19p13.12.
Variant type: single nucleotide variant.
Coding change: c.2989T>G on transcript NM_000435.3 (MANE Select); coding-DNA position 2989, T replaced by G.
Protein change: p.Cys997Gly; replaces cysteine 997 with glycine.
Molecular consequence: missense variant.
Genome position (GRCh38, 1-based): chr19:15,180,966, A>C on the plus strand (T>G on the coding strand, the complement: NOTCH3 is on the minus strand). VCF-style: chr19-15180966-A-C. GRCh37 (hg19) VCF-style: chr19-15291777-A-C.
Other names: short protein forms C997G.
Identifiers: ClinVar variation 447820 (VCV000447820.6), dbSNP rs1555727960, ClinGen allele CA404514458.